The following is an entry in ClinVar:

NM_021956.5(GRIK2):c.781dup (p.Leu261fs)

Gene: GRIK2 (glutamate ionotropic receptor kainate type subunit 2; plus strand). Cytogenetic location: 6q16.3.
Variant type: Duplication.
Coding change: c.781dup on transcript NM_021956.5 (MANE Select); coding-DNA position 781, one base duplicated (C; older notation c.781dupC).
Protein change: p.Leu261fs; shifts the reading frame from leucine 261.
Molecular consequence: frameshift variant.
Genome position (GRCh38, 1-based): chr6:101,686,183, C duplicated; the last of 2 consecutive C bases (chr6:101,686,182-101,686,183); duplicating either gives the same sequence. VCF-style (leftmost placement, unchanged base first): chr6-101686181-A-AC. GRCh37 (hg19) VCF-style: chr6-102134056-A-AC.
Other names: c.781dup, p.Leu261fs (NM_001166247.1, NM_175768.3); short protein forms L261fs.
Identifiers: ClinVar variation 4883860 (VCV004883860.2).

ClinVar aggregate classification (germline): Uncertain significance (1 of 4 stars; one submission).

Submission:

Dasa
Classification: Uncertain significance. Last evaluated: 2026-01-27. Review status: criteria provided, single submitter. Criteria: DASA Assertion Criteria. Collection method: clinical testing. Allele origin: germline.
Comment: NM_021956.5(GRIK2):c.781dup (p.Leu261Profs*5) is a frameshift variant in GRIK2 predicted to alter the reading frame and introduce a premature termination codon and is predicted to result in an absent or altered protein product. This variant is absent from population databases. The currently available literature and clinical evidence are not sufficient to establish a definitive association between this variant and the reported condition. Therefore, this variant is classified as a variant of uncertain significance.